The following is an entry in ClinVar:

ClinVar aggregate classification (germline): Uncertain significance (1 of 4 stars; one submission).

Conditions:
Intellectual developmental disorder, autosomal dominant 56. Also called: MENTAL RETARDATION, AUTOSOMAL DOMINANT 56; Intellectual disability, autosomal dominant 56. Identifiers: MedGen C4693389, MONDO:0030922, OMIM 617854.

Submission:

Juno Genomics, Hangzhou Juno Genomics, Inc
Classification: Uncertain significance for Intellectual developmental disorder, autosomal dominant 56. Review status: criteria provided, single submitter. Criteria: ACMG Guidelines, 2015. Collection method: clinical testing. Allele origin: germline. Affected: yes.
Comment: Absent from controls (or at extremely low frequency if recessive) in Genome Aggregation Database, Exome Sequencing Project, 1000 Genomes Project, or Exome Aggregation Consortium.;Null variant in a gene where loss of function (LOF) is a known mechanism of disease.

NM_004859.4(CLTC):c.1168-1G>T

Gene: CLTC (clathrin heavy chain; plus strand). Cytogenetic location: 17q23.1.
Variant type: single nucleotide variant.
Coding change: c.1168-1G>T on transcript NM_004859.4 (MANE Select); the canonical splice acceptor site of the intron before coding-DNA position 1168, G replaced by T.
Molecular consequence: splice acceptor variant.
Genome position (GRCh38, 1-based): chr17:59,661,442, G>T. VCF-style: chr17-59661442-G-T. GRCh37 (hg19) VCF-style: chr17-57738803-G-T.
Other names: c.1180-1G>T (NM_001288653.2).
Identifiers: ClinVar variation 3382103 (VCV003382103.2).